The following is an entry in ClinVar:

ClinVar aggregate classification (germline): Uncertain significance (1 of 4 stars; one submission).

Allele frequency attached by ClinVar (database versions not stated): gnomAD exomes 0.00001; ExAC 0.00002.
gnomAD v4.1: 19 of 1,614,222 alleles (0.0012%); highest among the groups gnomAD compares: South Asian, 0.0066%; no homozygotes.

Submission:

Labcorp Genetics (formerly Invitae), Labcorp
Classification: Uncertain significance. Last evaluated: 2022-08-23. Review status: criteria provided, single submitter. Criteria: Invitae Variant Classification Sherloc (09022015). Collection method: clinical testing. Allele origin: germline.
Comment: In summary, the available evidence is currently insufficient to determine the role of this variant in disease. Therefore, it has been classified as a Variant of Uncertain Significance. Advanced modeling of protein sequence and biophysical properties (such as structural, functional, and spatial information, amino acid conservation, physicochemical variation, residue mobility, and thermodynamic stability) performed at Invitae indicates that this missense variant is not expected to disrupt CDHR1 protein function. This variant has not been reported in the literature in individuals affected with CDHR1-related conditions. This variant is present in population databases (rs779409419, gnomAD 0.009%). This sequence change replaces threonine, which is neutral and polar, with methionine, which is neutral and non-polar, at codon 231 of the CDHR1 protein (p.Thr231Met).

NM_033100.4(CDHR1):c.692C>T (p.Thr231Met)

Gene: CDHR1 (cadherin related family member 1; plus strand). Cytogenetic location: 10q23.1.
Variant type: single nucleotide variant.
Coding change: c.692C>T on transcript NM_033100.4 (MANE Select); coding-DNA position 692, C replaced by T.
Protein change: p.Thr231Met; replaces threonine 231 with methionine.
Molecular consequence: missense variant.
Genome position (GRCh38, 1-based): chr10:84,203,032, C>T. VCF-style: chr10-84203032-C-T. GRCh37 (hg19) VCF-style: chr10-85962788-C-T.
Other names: c.692C>T, p.Thr231Met (NM_001171971.3); short protein forms T231M.
Identifiers: ClinVar variation 1962006 (VCV001962006.5), dbSNP rs779409419, ClinGen allele CA5579645.